The following is an entry in ClinVar:

ClinVar aggregate classification (germline): Uncertain significance (1 of 4 stars; one submission).

Conditions:
Hereditary cancer-predisposing syndrome. Also called: Hereditary neoplastic syndrome; Neoplastic Syndromes, Hereditary; Tumor predisposition; Hereditary Cancer Syndrome. Identifiers: Orphanet 140162, MedGen C0027672, MeSH D009386, MONDO:0015356.

Submission:

Ambry Genetics
Classification: Uncertain significance for Hereditary cancer-predisposing syndrome. Last evaluated: 2025-07-02. Review status: criteria provided, single submitter. Criteria: Ambry Variant Classification Scheme 2023. Collection method: clinical testing. Allele origin: germline.
Comment: The p.K651N variant (also known as c.1953G>C), located in coding exon 11 of the PMS2 gene, results from a G to C substitution at nucleotide position 1953. The lysine at codon 651 is replaced by asparagine, an amino acid with similar properties. This amino acid position is well conserved in available vertebrate species. In addition, this alteration is predicted to be tolerated by in silico analysis. Based on the available evidence, the clinical significance of this variant remains unclear.

NM_000535.7(PMS2):c.1953G>C (p.Lys651Asn)

Gene: PMS2 (PMS1 homolog 2, mismatch repair system component; minus strand). Cytogenetic location: 7p22.1.
Variant type: single nucleotide variant.
Coding change: c.1953G>C on transcript NM_000535.7 (MANE Select); coding-DNA position 1953, G replaced by C.
Protein change: p.Lys651Asn; replaces lysine 651 with asparagine.
Molecular consequence: missense variant. On other transcripts: non-coding transcript variant (1), intron variant (1).
Genome position (GRCh38, 1-based): chr7:5,986,812, C>G on the plus strand (G>C on the coding strand, the complement: PMS2 is on the minus strand). VCF-style: chr7-5986812-C-G. GRCh37 (hg19) VCF-style: chr7-6026443-C-G.
Other names: c.1020G>C, p.Lys340Asn (NM_001322012.2, NM_001322011.2); c.1380G>C, p.Lys460Asn (NM_001322013.2, NM_001406909.1); c.1953G>C, p.Lys651Asn (NM_001322014.2, NM_001406871.1, NM_001406872.1); c.1644G>C, p.Lys548Asn (NM_001322015.2, NM_001406882.1, NM_001406875.1 and 5 more transcripts); c.2139G>C, p.Lys713Asn (NM_001406866.1); c.1977G>C, p.Lys659Asn (NM_001406868.1); c.1845G>C, p.Lys615Asn (NM_001406869.1); c.1797G>C, p.Lys599Asn (NM_001406870.1, NM_001322006.2); and 13 more; short protein forms K460N, K516N, K548N, K585N, K340N, K394N, K480N, K496N.
Identifiers: ClinVar variation 4140492 (VCV004140492.1).